The following is an entry in ClinVar:

ClinVar aggregate classification (germline): Uncertain significance. Review status: criteria provided, multiple submitters, no conflicts (2 of 4 stars). 2 submissions from 2 submitters: Uncertain significance (2). Last evaluated 2026-01-26.

Conditions:
Hereditary cancer-predisposing syndrome. Also called: Neoplastic Syndromes, Hereditary; Tumor predisposition; Hereditary neoplastic syndrome; Hereditary Cancer Syndrome. Identifiers: Orphanet 140162, MedGen C0027672, MeSH D009386, MONDO:0015356.

Submissions (2):

Labcorp Genetics (formerly Invitae), Labcorp
Classification: Uncertain significance. Last evaluated: 2026-01-26. Review status: criteria provided, single submitter. Criteria: Invitae Variant Classification Sherloc (09022015). Collection method: clinical testing. Allele origin: germline.
Comment: This sequence change replaces glycine, which is neutral and non-polar, with arginine, which is basic and polar, at codon 341 of the MSH3 protein (p.Gly341Arg). This variant is not present in population databases (gnomAD no frequency). This variant has not been reported in the literature in individuals affected with MSH3-related conditions. ClinVar contains an entry for this variant (Variation ID: 642383). An algorithm developed to predict the effect of missense changes on protein structure and function (PolyPhen-2) suggests that this variant is likely to be disruptive. In summary, the available evidence is currently insufficient to determine the role of this variant in disease. Therefore, it has been classified as a Variant of Uncertain Significance.

Ambry Genetics
Classification: Uncertain significance for Hereditary cancer-predisposing syndrome. Last evaluated: 2024-09-26. Review status: criteria provided, single submitter. Criteria: Ambry Variant Classification Scheme 2023. Collection method: clinical testing. Allele origin: germline.
Comment: The p.G341R variant (also known as c.1021G>A), located in coding exon 6 of the MSH3 gene, results from a G to A substitution at nucleotide position 1021. The glycine at codon 341 is replaced by arginine, an amino acid with dissimilar properties. This amino acid position is highly conserved in available vertebrate species. In addition, this alteration is predicted to be deleterious by in silico analysis. Based on the available evidence, the clinical significance of this variant remains unclear.

NM_002439.5(MSH3):c.1021G>A (p.Gly341Arg)

Genes: MSH3 (mutS homolog 3; plus strand), LOC126807437 (MED14-independent group 3 enhancer GRCh37_chr5:79968379-79969578; plus strand). Cytogenetic location: 5q14.1.
Variant type: single nucleotide variant.
Coding change: c.1021G>A on transcript NM_002439.5 (MANE Select); coding-DNA position 1021, G replaced by A.
Protein change: p.Gly341Arg; replaces glycine 341 with arginine.
Molecular consequence: missense variant.
Genome position (GRCh38, 1-based): chr5:80,672,852, G>A. VCF-style: chr5-80672852-G-A. GRCh37 (hg19) VCF-style: chr5-79968671-G-A.
Other names: short protein forms G341R.
Identifiers: ClinVar variation 642383 (VCV000642383.12), dbSNP rs1580552356, ClinGen allele CA360267549.
Genomic context (GRCh38, chr5:80,672,852, plus strand): 5'-AACAGAAGTTCACTCTTTTCCCGGAAATTGACTGCCCTTTATACAAAATCTACACTTATT[G>A]GAGAAGATATCCTTTTTGGACGGGAGTTTTTCTCTTAAATGATACAAGGGCTTTGTTGGC-3'
Protein context (NP_002430.3, residues 331-351): TALYTKSTLI[Gly341Arg]EDVNPLIKLD